The following is an entry in ClinVar:

NC_000007.13:g.(?_588834)_(647090_716865)del

Gene: PRKAR1B (protein kinase cAMP-dependent type I regulatory subunit beta; minus strand). Cytogenetic location: 7p22.3.
Variant type: Deletion.
Identifiers: ClinVar variation 4688906 (VCV004688906.1).

ClinVar aggregate classification (germline): Uncertain significance (1 of 4 stars; one submission).

Submission:

Women's Health and Genetics/Laboratory Corporation of America, LabCorp
Classification: Uncertain significance. Last evaluated: 2025-12-22. Review status: criteria provided, single submitter. Criteria: LabCorp Variant Classification Summary - May 2015. Collection method: clinical testing. Allele origin: germline.
Comment: Variant summary: The variant involves the deletion of exons 5-11 in the PRKAR1B gene. A presumed nomenclature of c.(440+1_441-1)_(*1233_?)del has been designated for the purposes of this classification. The exact breakpoint at the distal 3' end of this variant is unknown, therefore this deletion may extend downstream of the annotated region of the gene. As it encompasses the termination codon, it is predicted to escape nonsense mediated decay (NMD). Current evidence is not sufficient to establish loss of function as a mechanism for disease. The variant was absent in 120780 control chromosomes in the gnomAD database (Structural Variants v4.1 dataset). The available data on variant occurrences in the general population are insufficient to allow any conclusion about variant significance. To our knowledge, no occurrence of c.(440+1_441-1)_(*1233_?)del in individuals affected with PRKAR1B-related conditions and no experimental evidence demonstrating its impact on protein function have been reported. No submitters have cited clinical-significance assessments for this variant to ClinVar. Based on the evidence outlined above, the variant was classified as uncertain significance.